The following is an entry in ClinVar:

NM_138295.5(PKD1L1):c.6765C>A (p.His2255Gln)

Gene: PKD1L1 (polycystin 1 like 1, transient receptor potential channel interacting; minus strand). Cytogenetic location: 7p12.3.
Variant type: single nucleotide variant.
Coding change: c.6765C>A on transcript NM_138295.5 (MANE Select); coding-DNA position 6765, C replaced by A.
Protein change: p.His2255Gln; replaces histidine 2255 with glutamine.
Molecular consequence: missense variant.
Genome position (GRCh38, 1-based): chr7:47,827,439, G>T on the plus strand (C>A on the coding strand, the complement: PKD1L1 is on the minus strand). VCF-style: chr7-47827439-G-T. GRCh37 (hg19) VCF-style: chr7-47867037-G-T.
Other names: short protein forms H2255Q.
Identifiers: ClinVar variation 4873535 (VCV004873535.2).

ClinVar aggregate classification (germline): Uncertain significance (1 of 4 stars; one submission).

gnomAD v4.1: 6 of 1,611,772 alleles (0.00037%); highest among the groups gnomAD compares: South Asian, 0.0011%; no homozygotes.

Submission:

CeGaT Center for Human Genetics Tuebingen
Classification: Uncertain significance. Last evaluated: 2026-05-01. Review status: criteria provided, single submitter. Criteria: CeGaT Center For Human Genetics Tuebingen Variant Classification Criteria Version 2. Collection method: clinical testing. Allele origin: germline. Affected: yes. Observed: 1 variant allele.
Comment: PKD1L1: PM2, BP4